The following is an entry in ClinVar:

NM_032043.3(BRIP1):c.2904A>G (p.Lys968=)

Gene: BRIP1 (BRCA1 interacting DNA helicase 1; minus strand). Cytogenetic location: 17q23.2.
Variant type: single nucleotide variant.
Coding change: c.2904A>G on transcript NM_032043.3 (MANE Select); coding-DNA position 2904, A replaced by G.
Protein change: p.Lys968=; no amino-acid change (lysine 968 retained).
Molecular consequence: synonymous variant.
Genome position (GRCh38, 1-based): chr17:61,685,837, T>C on the plus strand (A>G on the coding strand, the complement: BRIP1 is on the minus strand). VCF-style: chr17-61685837-T-C. GRCh37 (hg19) VCF-style: chr17-59763198-T-C.
Identifiers: ClinVar variation 1797484 (VCV001797484.2), dbSNP rs2544569457, ClinGen allele CA501335311.

ClinVar aggregate classification (germline): Uncertain significance (1 of 4 stars; one submission).

Conditions:
Hereditary cancer-predisposing syndrome. Also called: Neoplastic Syndromes, Hereditary; Tumor predisposition; Hereditary Cancer Syndrome; Hereditary neoplastic syndrome. Identifiers: Orphanet 140162, MedGen C0027672, MeSH D009386, MONDO:0015356.

Submission:

Ambry Genetics
Classification: Uncertain significance for Hereditary cancer-predisposing syndrome. Last evaluated: 2021-11-03. Review status: criteria provided, single submitter. Criteria: Ambry Variant Classification Scheme 2023. Collection method: clinical testing. Allele origin: germline.
Comment: The c.2904A>G variant (also known as p.K968K), located in coding exon 18 of the BRIP1 gene, results from an A to G substitution at nucleotide position 2904. This nucleotide substitution does not change the amino acid at codon 968. This nucleotide position is highly conserved in available vertebrate species. In silico splice site analysis predicts that this alteration may weaken the native splice donor site; however, direct evidence is insufficient at this time (Ambry internal data). Since supporting evidence is limited at this time, the clinical significance of this alteration remains unclear.